The following is an entry in ClinVar:

ClinVar aggregate classification (germline): Benign/Likely benign. Review status: criteria provided, multiple submitters, no conflicts (2 of 4 stars). 8 submissions from 8 submitters: Benign (4); Likely benign (4). Last evaluated 2026-07-01.

Conditions:
Inborn genetic diseases. Identifiers: MedGen C0950123, MeSH D030342.
PURA-related severe neonatal hypotonia-seizures-encephalopathy syndrome (NEDRIHF). Also called: NEURODEVELOPMENTAL DISORDER WITH NEONATAL RESPIRATORY INSUFFICIENCY, HYPOTONIA, AND FEEDING DIFFICULTIES; PURA-Related Neurodevelopmental Disorders. Identifiers: Orphanet 438213, Orphanet 438216, MedGen C4015357, MONDO:1060108, OMIM 616158, MONDO:0018580.

Allele frequency attached by ClinVar (database versions not stated): gnomAD exomes 0.00046; ExAC 0.00078; ESP Exome Variant Server 0.00161; gnomAD 0.00179 and 0.00187; TOPMed 0.00206; 1000 Genomes Project 30x 0.00234; 1000 Genomes Project 0.00280.

Submissions (8):

CeGaT Center for Human Genetics Tuebingen
Classification: Likely benign. Last evaluated: 2026-07-01. Review status: criteria provided, single submitter. Criteria: CeGaT Center For Human Genetics Tuebingen Variant Classification Criteria Version 2. Collection method: clinical testing. Allele origin: germline. Affected: yes. Observed: 1 variant allele.
Comment: PURA: BP4, BP7

Labcorp Genetics (formerly Invitae), Labcorp
Classification: Benign for PURA-related severe neonatal hypotonia-seizures-encephalopathy syndrome. Last evaluated: 2026-01-26. Review status: criteria provided, single submitter. Criteria: Invitae Variant Classification Sherloc (09022015). Collection method: clinical testing. Allele origin: germline.

Mayo Clinic Laboratories, Mayo Clinic
Classification: Benign. Last evaluated: 2025-10-06. Review status: criteria provided, single submitter. Criteria: ACMG Guidelines, 2015. Collection method: clinical testing. Allele origin: germline. Observed: 1 variant allele.
Comment: BA1, BP4, BP7

Blueprint Genetics
Classification: Likely benign. Last evaluated: 2024-11-13. Review status: criteria provided, single submitter. Criteria: ACMG Guidelines, 2015. Collection method: clinical testing. Allele origin: germline.

Athena Diagnostics
Classification: Benign. Last evaluated: 2024-07-05. Review status: criteria provided, single submitter. Criteria: Athena Diagnostics Criteria. Collection method: clinical testing. Allele origin: unknown.

GeneDx
Classification: Benign. Last evaluated: 2018-09-14. Review status: criteria provided, single submitter. Criteria: GeneDx Variant Classification Process June 2021. Collection method: clinical testing. Allele origin: germline. Affected: yes.

Ambry Genetics
Classification: Likely benign for Inborn genetic diseases. Last evaluated: 2016-09-12. Review status: criteria provided, single submitter. Criteria: Ambry Variant Classification Scheme 2023. Collection method: clinical testing. Allele origin: germline.

Breakthrough Genomics
Classification: Likely benign. Review status: criteria provided, single submitter. Criteria: ACMG Guidelines, 2015. Collection method: not provided. Allele origin: germline. Inheritance: Autosomal dominant inheritance. Affected: yes.

NM_005859.5(PURA):c.321C>T (p.Ala107=)

Gene: PURA (purine rich element binding protein A; plus strand). Cytogenetic location: 5q31.3.
Variant type: single nucleotide variant.
Coding change: c.321C>T on transcript NM_005859.5 (MANE Select); coding-DNA position 321, C replaced by T.
Protein change: p.Ala107=; no amino-acid change (alanine 107 retained).
Molecular consequence: synonymous variant.
Genome position (GRCh38, 1-based): chr5:140,114,502, C>T. VCF-style: chr5-140114502-C-T. GRCh37 (hg19) VCF-style: chr5-139494087-C-T.
Other names: p.Ala107=.
Identifiers: ClinVar variation 475286 (VCV000475286.24), dbSNP rs149139260, ClinGen allele CA3437451.
Genomic context (GRCh38, chr5:140,114,502, plus strand): 5'-GATCGCCGAGGTGGGCGCGGGCGGCAACAAGAGCCGCCTTACTCTCTCCATGTCAGTGGC[C>T]GTGGAGTTCCGCGACTACCTGGGCGACTTCATCGAGCACTACGCGCAGCTGGGCCCCAGC-3'
Protein context (NP_005850.1, residues 97-117): KSRLTLSMSV[Ala107=]VEFRDYLGDF